The following is an entry in ClinVar:

NM_005045.4(RELN):c.7181-246_7181-242del

Gene: RELN (reelin; minus strand). Cytogenetic location: 7q22.1.
Variant type: Deletion.
Coding change: c.7181-246_7181-242del on transcript NM_005045.4 (MANE Select); 246 bases into the intron before coding-DNA position 7181 through 242 bases into the intron before coding-DNA position 7181, 5 bases deleted (CTTTA; older notation c.7181-246_7181-242delCTTTA).
Molecular consequence: intron variant.
Genome position (GRCh38, 1-based): chr7:103,535,726-103,535,730, TAAAG deleted on the plus strand (CTTTA on the coding strand, the reverse complement: RELN is on the minus strand); deleting any 5 consecutive bases within chr7:103,535,726-103,535,734 gives the same sequence; the c. name uses the placement nearest the transcript's 3' end. VCF-style (leftmost placement, unchanged base first): chr7-103535725-ATAAAG-A. GRCh37 (hg19) VCF-style: chr7-103176172-ATAAAG-A.
Other names: c.7181-246_7181-242del (NM_173054.3).
Identifiers: ClinVar variation 684072 (VCV000684072.1), dbSNP rs141307954, ClinGen allele CA163938914.
Genomic context (GRCh38, chr7:103,535,725, plus strand): 5'-GCTATTATTTTTAAATTTCCATGTTGAAATAACTTTTAAGGGGATATGATCAAGTGAAAC[ATAAAG>A]TAAATGTTTGTGAATCACATCTTATAATGAGAAGCTTTTGGAACAATCATCATGACAAAA-3'

ClinVar aggregate classification (germline): Benign (1 of 4 stars; one submission).

Submission:

GeneDx
Classification: Benign. Last evaluated: 2018-06-19. Review status: criteria provided, single submitter. Criteria: GeneDx Variant Classification (06012015). Collection method: clinical testing. Allele origin: germline. Affected: yes.
Comment: This variant is considered likely benign or benign based on one or more of the following criteria: it is a conservative change, it occurs at a poorly conserved position in the protein, it is predicted to be benign by multiple in silico algorithms, and/or has population frequency not consistent with disease.